The following is an entry in ClinVar:

NM_006206.6(PDGFRA):c.1602G>A (p.Leu534=)

Gene: PDGFRA (platelet derived growth factor receptor alpha; plus strand). Cytogenetic location: 4q12.
Variant type: single nucleotide variant.
Coding change: c.1602G>A on transcript NM_006206.6 (MANE Select); coding-DNA position 1602, G replaced by A.
Protein change: p.Leu534=; no amino-acid change (leucine 534 retained).
Molecular consequence: synonymous variant.
Genome position (GRCh38, 1-based): chr4:54,274,574, G>A. VCF-style: chr4-54274574-G-A. GRCh37 (hg19) VCF-style: chr4-55140741-G-A.
Other names: c.1602G>A, p.Leu534= (NM_001347827.2, NM_001347829.2); c.1677G>A, p.Leu559= (NM_001347828.2); c.1641G>A, p.Leu547= (NM_001347830.2).
Identifiers: ClinVar variation 796055 (VCV000796055.14), dbSNP rs749997486, ClinGen allele CA2922624.
Genomic context (GRCh38, chr4:54,274,574, plus strand): 5'-TCTCTCTTGTCACGTAGCCCTGCGTTCTGAACTCACGGTGGCTGCTGCAGTCCTGGTGCT[G>A]TTGGTGATTGTGATCATCTCACTTATTGTCCTGGTTGTCATTTGGAAACAGGTAGATATT-3'
Protein context (NP_006197.1, residues 524-544): ELTVAAAVLV[Leu534=]LVIVIISLIV

ClinVar aggregate classification (germline): Benign/Likely benign. Review status: criteria provided, multiple submitters, no conflicts (2 of 4 stars). 3 submissions from 3 submitters: Benign (1); Likely benign (2). Last evaluated 2026-06-17.

Conditions:
Polyps, multiple and recurrent inflammatory fibroid, gastrointestinal. Identifiers: MedGen C5193005, MONDO:0008285, OMIM 175510.
Gastrointestinal stromal tumor. Also called: Gastrointestinal stromal tumor, somatic; Gastrointestinal stroma tumor. Identifiers: Orphanet 44890, MedGen C0238198, MeSH D046152, MONDO:0011719, OMIM 606764, HP:0100723.
Hereditary cancer-predisposing syndrome. Also called: Neoplastic Syndromes, Hereditary; Hereditary Cancer Syndrome; Hereditary neoplastic syndrome; Tumor predisposition. Identifiers: Orphanet 140162, MedGen C0027672, MeSH D009386, MONDO:0015356.

Allele frequency attached by ClinVar (database versions not stated): gnomAD exomes 0.00001; TOPMed 0.00001; ExAC 0.00002.
gnomAD v4.1: 1 of 1,614,078 alleles (0.000062%); highest among the groups gnomAD compares: South Asian, 0.0011%; no homozygotes.

Submissions (3):

Myriad Genetics, Inc.
Classification: Benign for Polyps, multiple and recurrent inflammatory fibroid, gastrointestinal. Last evaluated: 2026-06-17. Review status: criteria provided, single submitter. Criteria: Myriad Autosomal Dominant, Autosomal Recessive and X-Linked Classification Criteria (2023). Collection method: clinical testing. Allele origin: unknown.
Comment: This variant is considered benign. This variant is a silent/synonymous amino acid change and it is not expected to impact splicing.

Labcorp Genetics (formerly Invitae), Labcorp
Classification: Likely benign for Gastrointestinal stromal tumor. Last evaluated: 2026-01-05. Review status: criteria provided, single submitter. Criteria: Invitae Variant Classification Sherloc (09022015). Collection method: clinical testing. Allele origin: germline.

Ambry Genetics
Classification: Likely benign for Hereditary cancer-predisposing syndrome. Last evaluated: 2020-12-18. Review status: criteria provided, single submitter. Criteria: Ambry Variant Classification Scheme 2023. Collection method: clinical testing. Allele origin: germline.